The following is an entry in ClinVar:

NM_003482.4(KMT2D):c.12952A>C (p.Lys4318Gln)

Gene: KMT2D (lysine methyltransferase 2D; minus strand). Cytogenetic location: 12q13.12.
Variant type: single nucleotide variant.
Coding change: c.12952A>C on transcript NM_003482.4 (MANE Select); coding-DNA position 12952, A replaced by C.
Protein change: p.Lys4318Gln; replaces lysine 4318 with glutamine.
Molecular consequence: missense variant.
Genome position (GRCh38, 1-based): chr12:49,031,753, T>G on the plus strand (A>C on the coding strand, the complement: KMT2D is on the minus strand). VCF-style: chr12-49031753-T-G. GRCh37 (hg19) VCF-style: chr12-49425536-T-G.
Other names: short protein forms K4318Q.
Identifiers: ClinVar variation 5000822 (VCV005000822.1).

ClinVar aggregate classification (germline): Uncertain significance (1 of 4 stars; one submission).

Conditions:
KMT2D-related disorder. Also called: KMT2D-Related Disorders.

gnomAD v4.1: 7 of 1,612,914 alleles (0.00043%); highest among the groups gnomAD compares: South Asian, 0.0077%; no homozygotes.

Submission:

PreventionGenetics, part of Exact Sciences
Classification: Uncertain significance for KMT2D-related condition. Last evaluated: 2025-12-21. Review status: criteria provided, single submitter. Criteria: ACMG Guidelines, 2015. Collection method: clinical testing. Allele origin: germline.
Comment: The KMT2D c.12952A>C variant is predicted to result in the amino acid substitution p.Lys4318Gln. To our knowledge, this variant has not been reported in the literature. This variant is reported in 0.0099% of alleles in individuals of South Asian descent in gnomAD. At this time, the clinical significance of this variant is uncertain due to the absence of conclusive functional and genetic evidence.